The following is an entry in ClinVar:

ClinVar aggregate classification (germline): Conflicting classifications of pathogenicity. Review status: criteria provided, conflicting classifications (1 of 4 stars). 6 submissions from 6 submitters: Pathogenic (1); Likely pathogenic (3); Uncertain significance (1). 1 of the submissions does not count toward it. Last evaluated 2026-01-26.

Conditions:
Renal carnitine transport defect (CDSP). Also called: CARNITINE DEFICIENCY, SYSTEMIC, DUE TO DEFECT IN RENAL REABSORPTION OF CARNITINE; CARNITINE TRANSPORTER, PLASMA-MEMBRANE, DEFICIENCY OF; CARNITINE UPTAKE DEFECT; Primary carnitine deficiency; Carnitine transporter deficiency; Systemic primary carnitine deficiency disease. Identifiers: Orphanet 158, MedGen C0342788, MONDO:0008919, OMIM 212140.

Allele frequency attached by ClinVar (database versions not stated): gnomAD exomes below 0.00001; TOPMed 0.00001; gnomAD 0.00001.
gnomAD v4.1: 1 of 1,614,150 alleles (0.000062%); highest among the groups gnomAD compares: African/African-American, 0.0013%; no homozygotes.

Submissions (6):

Labcorp Genetics (formerly Invitae), Labcorp
Classification: Pathogenic for Renal carnitine transport defect. Last evaluated: 2026-01-26. Review status: criteria provided, single submitter. Criteria: Invitae Variant Classification Sherloc (09022015). Collection method: clinical testing. Allele origin: germline.
Comment: This sequence change replaces leucine, which is neutral and non-polar, with proline, which is neutral and non-polar, at codon 186 of the SLC22A5 protein (p.Leu186Pro). This variant is present in population databases (rs386134197, gnomAD 0.007%). This missense change has been observed in individual(s) with primary carnitine deficiency (PMID: 20574985, 28841266; internal data). ClinVar contains an entry for this variant (Variation ID: 38287). Invitae Evidence Modeling of protein sequence and biophysical properties (such as structural, functional, and spatial information, amino acid conservation, physicochemical variation, residue mobility, and thermodynamic stability) indicates that this missense variant is expected to disrupt SLC22A5 protein function with a positive predictive value of 95%. Experimental studies have shown that this missense change affects SLC22A5 function (PMID: 28841266). For these reasons, this variant has been classified as Pathogenic.

Dasa
Classification: Likely pathogenic. Last evaluated: 2025-08-27. Review status: criteria provided, single submitter. Criteria: DASA Assertion Criteria. Collection method: clinical testing. Allele origin: germline.
Comment: NM_003060.4(SLC22A5):c.557T>C (p.Leu186Pro) is a missense variant that results in the substitution of leucine with proline. The affected residue or protein region has prior evidence supporting clinical relevance. This variant has been recurrently observed in individuals with SLC22A5-related disorders (PMID: 20574985; PMID: 28841266). Functional evidence supports an impact on the gene or gene product (PMID: 20574985; PMID: 28841266). Also, this variant is rare in population databases. Computational evidence supports a deleterious effect. Based on the currently available evidence, this variant is classified as likely pathogenic.

Baylor Genetics
Classification: Likely pathogenic for Renal carnitine transport defect. Last evaluated: 2023-11-07. Review status: criteria provided, single submitter. Criteria: ACMG Guidelines, 2015. Collection method: clinical testing. Allele origin: unknown.

Women's Health and Genetics/Laboratory Corporation of America, LabCorp
Classification: Likely pathogenic for Renal carnitine transport defect. Last evaluated: 2023-05-30. Review status: criteria provided, single submitter. Criteria: LabCorp Variant Classification Summary - May 2015. Collection method: clinical testing. Allele origin: germline.
Comment: Variant summary: SLC22A5 c.557T>C (p.Leu186Pro) results in a non-conservative amino acid change located in the Major facilitator superfamily domain (IPR020846) of the encoded protein sequence. Three of five in-silico tools predict a damaging effect of the variant on protein function. The variant allele was found at a frequency of 4e-06 in 251492 control chromosomes (gnomAD). The available data on variant occurrences in the general population are insufficient to allow any conclusion about variant significance. c.557T>C has been reported in the literature in at least one compound heterozygous individual affected with Systemic Primary Carnitine Deficiency (e.g., Frigeni_2017). At least two publications report experimental evidence evaluating an impact on protein function, finding that the variant results in <2% of normal carnitine transport activity (e.g., Frigeni_2017, Koleske_2022). The following publications have been ascertained in the context of this evaluation (PMID: 32778825, 28841266, 36343260, 20574985). Three ClinVar submitters (evaluation after 2014) have cited the variant with conflicting assessmements: 1 submitter classified the variant as pathogenic, and 2 submitters classified the variant as uncertain significance. Based on the evidence outlined above, the variant was classified as likely pathogenic.

Giacomini Lab, University of California, San Francisco
Classification: Uncertain significance for Renal carnitine transport defect. Last evaluated: 2022-10-03. Review status: criteria provided, single submitter. Criteria: ACMG Guidelines, 2015. Collection method: research, in vitro. Allele origin: germline, not applicable.

Counsyl
Classification: Uncertain significance for Renal carnitine transport defect. Last evaluated: 2017-05-08. Review status: no assertion criteria provided. Collection method: clinical testing. Allele origin: unknown. Not counted in ClinVar's aggregate classification.

Literature cited by the submitters: PubMed 20574985 (cited by 4 submitters); PubMed 28841266 (cited by 3 submitters); PubMed 32778825 (cited by Women's Health and Genetics/Laboratory Corporation of America, LabCorp); PubMed 36343260 (cited by Women's Health and Genetics/Laboratory Corporation of America, LabCorp).

NM_003060.4(SLC22A5):c.557T>C (p.Leu186Pro)

Gene: SLC22A5 (solute carrier family 22 member 5; plus strand). Cytogenetic location: 5q31.1.
Variant type: single nucleotide variant.
Coding change: c.557T>C on transcript NM_003060.4 (MANE Select); coding-DNA position 557, T replaced by C.
Protein change: p.Leu186Pro; replaces leucine 186 with proline.
Molecular consequence: missense variant.
Genome position (GRCh38, 1-based): chr5:132,384,206, T>C. VCF-style: chr5-132384206-T-C. GRCh37 (hg19) VCF-style: chr5-131719898-T-C.
Other names: c.629T>C, p.Leu210Pro (NM_001308122.2); short protein forms L186P, L210P.
Identifiers: ClinVar variation 38287 (VCV000038287.16), dbSNP rs386134197, ClinGen allele CA342637.